The following is an entry in ClinVar:

ClinVar aggregate classification (germline): Likely benign (1 of 4 stars; one submission).

Conditions:
WNK1-related disorder. Also called: WNK1-related condition.

Submission:

PreventionGenetics, part of Exact Sciences
Classification: Likely benign for WNK1-related condition. Last evaluated: 2025-02-28. Review status: criteria provided, single submitter. Criteria: ACMG Guidelines, 2015. Collection method: clinical testing. Allele origin: germline.
Comment: This variant is classified as likely benign based on ACMG/AMP sequence variant interpretation guidelines (Richards et al. 2015 PMID: 25741868, with internal and published modifications).

NM_018979.4(WNK1):c.1200T>C (p.Asp400=)

Gene: WNK1 (WNK lysine deficient protein kinase 1; plus strand). Cytogenetic location: 12p13.33.
Variant type: single nucleotide variant.
Coding change: c.1200T>C on transcript NM_018979.4 (MANE Select); coding-DNA position 1200, T replaced by C.
Protein change: p.Asp400=; no amino-acid change (aspartic acid 400 retained).
Molecular consequence: synonymous variant.
Genome position (GRCh38, 1-based): chr12:830,049, T>C. VCF-style: chr12-830049-T-C. GRCh37 (hg19) VCF-style: chr12-939215-T-C.
Other names: c.1200T>C, p.Asp400= (NM_001184985.2, NM_014823.3, NM_213655.5).
Identifiers: ClinVar variation 4983170 (VCV004983170.1).